The following is an entry in ClinVar:

NM_000204.5(CFI):c.1206C>T (p.Pro402=)

Gene: CFI (complement factor I; minus strand). Cytogenetic location: 4q25.
Variant type: single nucleotide variant.
Coding change: c.1206C>T on transcript NM_000204.5 (MANE Select); coding-DNA position 1206, C replaced by T.
Protein change: p.Pro402=; no amino-acid change (proline 402 retained).
Molecular consequence: synonymous variant. On other transcripts: non-coding transcript variant (2).
Genome position (GRCh38, 1-based): chr4:109,746,445, G>A on the plus strand (C>T on the coding strand, the complement: CFI is on the minus strand). VCF-style: chr4-109746445-G-A. GRCh37 (hg19) VCF-style: chr4-110667601-G-A.
Other names: p.Pro402=; c.1230C>T, p.Pro410= (NM_001318057.2, NM_001375278.1); c.1185C>T, p.Pro395= (NM_001331035.2, NM_001375280.1, NM_001375282.1); c.1206C>T, p.Pro402= (NM_001375279.1, NM_001375281.1); c.1149C>T, p.Pro383= (NM_001375283.1); c.597C>T, p.Pro199= (NM_001375284.1).
Identifiers: ClinVar variation 347159 (VCV000347159.19), dbSNP rs115780371, ClinGen allele CA3041972.

ClinVar aggregate classification (germline): Benign/Likely benign. Review status: criteria provided, multiple submitters, no conflicts (2 of 4 stars). 7 submissions from 7 submitters: Benign (5); Likely benign (2). Last evaluated 2026-01-24.

Conditions:
Factor I deficiency (CFID). Also called: Complement factor I deficiency. Identifiers: Orphanet 200418, MedGen C3463916, MONDO:0012594, OMIM 610984.
Atypical hemolytic-uremic syndrome with I factor anomaly. Also called: HEMOLYTIC UREMIC SYNDROME, ATYPICAL, SUSCEPTIBILITY TO, 3; AHUS, SUSCEPTIBILITY TO, 3. Identifiers: Orphanet 2134, MedGen C2752039, MONDO:0013041, OMIM 612923.
Age related macular degeneration 13. Identifiers: MedGen C3809523, MONDO:0014189, OMIM 615439.
Kidney disorder. Also called: Nephropathy; renal disorder; Kidney disease; Kidney Diseases; renal disease. Identifiers: MedGen C0022658, MONDO:0005240, HP:0000112.

Allele frequency attached by ClinVar (database versions not stated): gnomAD exomes 0.00062 and 0.00162; ExAC 0.00189; gnomAD 0.00595 and 0.00646; 1000 Genomes Project 0.00599; ESP Exome Variant Server 0.00615; 1000 Genomes Project 30x 0.00640; TOPMed 0.00706.
gnomAD v4.1: 1,869 of 1,613,542 alleles (0.12%); highest among the groups gnomAD compares: African/African-American, 2.1%; 16 homozygotes.

Submissions (7):

Labcorp Genetics (formerly Invitae), Labcorp
Classification: Benign. Last evaluated: 2026-01-24. Review status: criteria provided, single submitter. Criteria: Invitae Variant Classification Sherloc (09022015). Collection method: clinical testing. Allele origin: germline.

Women's Health and Genetics/Laboratory Corporation of America, LabCorp
Classification: Benign. Last evaluated: 2026-01-22. Review status: criteria provided, single submitter. Criteria: LabCorp Variant Classification Summary - May 2015. Collection method: clinical testing. Allele origin: germline.

Mayo Clinic Laboratories, Mayo Clinic
Classification: Likely benign. Last evaluated: 2025-04-07. Review status: criteria provided, single submitter. Criteria: ACMG Guidelines, 2015. Collection method: clinical testing. Allele origin: germline. Observed: 36 variant alleles.
Comment: BP4, BP7

Genome Diagnostics Laboratory, The Hospital for Sick Children
Classification: Benign for Kidney disorder. Last evaluated: 2022-01-07. Review status: criteria provided, single submitter. Criteria: ACMG Guidelines, 2015. Collection method: clinical testing. Allele origin: germline.

Fulgent Genetics
Classification: Likely benign for Factor I deficiency; Atypical hemolytic-uremic syndrome with I factor anomaly; Age related macular degeneration 13. Last evaluated: 2021-10-06. Review status: criteria provided, single submitter. Criteria: ACMG Guidelines, 2015. Collection method: clinical testing. Allele origin: unknown.

Illumina Laboratory Services, Illumina
Classification: Benign for Atypical hemolytic-uremic syndrome with I factor anomaly. Last evaluated: 2018-01-13. Review status: criteria provided, single submitter. Criteria: ICSL Variant Classification Criteria 13 December 2019. Collection method: clinical testing. Allele origin: germline.
Comment: This variant was observed in the ICSL laboratory as part of a predisposition screen in an ostensibly healthy population. It had not been previously curated by ICSL or reported in the Human Gene Mutation Database (HGMD: prior to June 1st, 2018), and was therefore a candidate for classification through an automated scoring system. Utilizing variant allele frequency, disease prevalence and penetrance estimates, and inheritance mode, an automated score was calculated to assess if this variant is too frequent to cause the disease. Based on the score and internal cut-off values, a variant classified as benign is not then subjected to further curation. The score for this variant resulted in a classification of benign for this disease.

Breakthrough Genomics
Classification: Benign. Review status: criteria provided, single submitter. Criteria: ACMG Guidelines, 2015. Collection method: not provided. Allele origin: germline. Inheritance: Autosomal recessive inheritance. Affected: yes.